The following is an entry in ClinVar:

ClinVar aggregate classification (germline): Uncertain significance (1 of 4 stars; one submission).

Conditions:
Inborn genetic diseases. Identifiers: MedGen C0950123, MeSH D030342.

Submission:

Ambry Genetics
Classification: Uncertain significance for Inborn genetic diseases. Last evaluated: 2025-03-26. Review status: criteria provided, single submitter. Criteria: Ambry Variant Classification Scheme 2023. Collection method: clinical testing. Allele origin: germline.
Comment: The p.A412T variant (also known as c.1234G>A), located in coding exon 14 of the FANCA gene, results from a G to A substitution at nucleotide position 1234. The alanine at codon 412 is replaced by threonine, an amino acid with similar properties. This amino acid position is conserved. In addition, this alteration is predicted to be tolerated by in silico analysis. Based on the available evidence, the clinical significance of this variant remains unclear.

NM_000135.4(FANCA):c.1234G>A (p.Ala412Thr)

Gene: FANCA (FA complementation group A; minus strand). Cytogenetic location: 16q24.3.
Variant type: single nucleotide variant.
Coding change: c.1234G>A on transcript NM_000135.4 (MANE Select); coding-DNA position 1234, G replaced by A.
Protein change: p.Ala412Thr; replaces alanine 412 with threonine.
Molecular consequence: missense variant.
Genome position (GRCh38, 1-based): chr16:89,791,528, C>T on the plus strand (G>A on the coding strand, the complement: FANCA is on the minus strand). VCF-style: chr16-89791528-C-T. GRCh37 (hg19) VCF-style: chr16-89857936-C-T.
Other names: c.1234G>A, p.Ala412Thr (NM_001286167.3); short protein forms A412T.
Identifiers: ClinVar variation 4022108 (VCV004022108.1).